The following is an entry in ClinVar:

ClinVar aggregate classification (germline): Uncertain significance (1 of 4 stars; one submission).

Submission:

Labcorp Genetics (formerly Invitae), Labcorp
Classification: Uncertain significance. Last evaluated: 2024-12-02. Review status: criteria provided, single submitter. Criteria: Invitae Variant Classification Sherloc (09022015). Collection method: clinical testing. Allele origin: germline.
Comment: This sequence change replaces valine, which is neutral and non-polar, with alanine, which is neutral and non-polar, at codon 1029 of the TUBGCP6 protein (p.Val1029Ala). This variant is not present in population databases (gnomAD no frequency). This variant has not been reported in the literature in individuals affected with TUBGCP6-related conditions. ClinVar contains an entry for this variant (Variation ID: 1514937). An algorithm developed to predict the effect of missense changes on protein structure and function (PolyPhen-2) suggests that this variant is likely to be tolerated. In summary, the available evidence is currently insufficient to determine the role of this variant in disease. Therefore, it has been classified as a Variant of Uncertain Significance.

NM_020461.4(TUBGCP6):c.3086T>C (p.Val1029Ala)

Gene: TUBGCP6 (tubulin gamma complex component 6; minus strand). Cytogenetic location: 22q13.33.
Variant type: single nucleotide variant.
Coding change: c.3086T>C on transcript NM_020461.4 (MANE Select); coding-DNA position 3086, T replaced by C.
Protein change: p.Val1029Ala; replaces valine 1029 with alanine.
Molecular consequence: missense variant.
Genome position (GRCh38, 1-based): chr22:50,221,273, A>G on the plus strand (T>C on the coding strand, the complement: TUBGCP6 is on the minus strand). VCF-style: chr22-50221273-A-G. GRCh37 (hg19) VCF-style: chr22-50659702-A-G.
Other names: short protein forms V1029A.
Identifiers: ClinVar variation 1514937 (VCV001514937.6), dbSNP rs1602510206, ClinGen allele CA412184987.